The following is an entry in ClinVar:

NM_001005337.3(PKP1):c.*2542G>A

Gene: PKP1 (plakophilin 1; plus strand). Cytogenetic location: 1q32.1.
Variant type: single nucleotide variant.
Coding change: c.*2542G>A on transcript NM_001005337.3 (MANE Select); 2542 bases downstream of the stop codon, G replaced by A.
Molecular consequence: 3 prime UTR variant.
Genome position (GRCh38, 1-based): chr1:201,332,583, G>A. VCF-style: chr1-201332583-G-A. GRCh37 (hg19) VCF-style: chr1-201301711-G-A.
Other names: c.*2542G>A (NM_000299.4).
Identifiers: ClinVar variation 294880 (VCV000294880.6), dbSNP rs58828153, ClinGen allele CA10609478.

ClinVar aggregate classification (germline): Benign. Review status: criteria provided, multiple submitters, no conflicts (2 of 4 stars). 2 submissions from 2 submitters: Benign (2). Last evaluated 2018-01-13.

Conditions:
Epidermolysis bullosa simplex due to plakophilin deficiency. Also called: MCGRATH SYNDROME. Identifiers: Orphanet 158668, MedGen C1858302, MONDO:0011472, OMIM 604536.

Allele frequency attached by ClinVar (database versions not stated): 1000 Genomes Project 0.08347; 1000 Genomes Project 30x 0.08729; gnomAD 0.10272 and 0.10661; TOPMed 0.10308; gnomAD exomes 0.21429.
gnomAD v4.1: 15,705 of 152,050 alleles (10%); highest among the groups gnomAD compares: Middle Eastern, 14%; 879 homozygotes.

Submissions (2):

Illumina Laboratory Services, Illumina
Classification: Benign for Epidermolysis bullosa simplex due to plakophilin deficiency. Last evaluated: 2018-01-13. Review status: criteria provided, single submitter. Criteria: ICSL Variant Classification Criteria 13 December 2019. Collection method: clinical testing. Allele origin: germline.
Comment: This variant was observed in the ICSL laboratory as part of a predisposition screen in an ostensibly healthy population. It had not been previously curated by ICSL or reported in the Human Gene Mutation Database (HGMD: prior to June 1st, 2018), and was therefore a candidate for classification through an automated scoring system. Utilizing variant allele frequency, disease prevalence and penetrance estimates, and inheritance mode, an automated score was calculated to assess if this variant is too frequent to cause the disease. Based on the score and internal cut-off values, a variant classified as benign is not then subjected to further curation. The score for this variant resulted in a classification of benign for this disease.

Breakthrough Genomics
Classification: Benign. Review status: criteria provided, single submitter. Criteria: ACMG Guidelines, 2015. Collection method: not provided. Allele origin: germline. Inheritance: Autosomal recessive inheritance. Affected: yes.